The following is an entry in ClinVar:

NM_001873.4(CPE):c.665A>G (p.Asn222Ser)

Gene: CPE (carboxypeptidase E; plus strand). Cytogenetic location: 4q32.3.
Variant type: single nucleotide variant.
Coding change: c.665A>G on transcript NM_001873.4 (MANE Select); coding-DNA position 665, A replaced by G.
Protein change: p.Asn222Ser; replaces asparagine 222 with serine.
Molecular consequence: missense variant.
Genome position (GRCh38, 1-based): chr4:165,467,848, A>G. VCF-style: chr4-165467848-A-G. GRCh37 (hg19) VCF-style: chr4-166389000-A-G.
Other names: short protein forms N222S.
Identifiers: ClinVar variation 4986054 (VCV004986054.1).

ClinVar aggregate classification (germline): Uncertain significance (1 of 4 stars; one submission).

Conditions:
CPE-related disorder. Also called: CPE-related condition.

gnomAD v4.1: 26 of 1,613,358 alleles (0.0016%); highest among the groups gnomAD compares: Non-Finnish European, 0.0021%; no homozygotes.

Submission:

PreventionGenetics, part of Exact Sciences
Classification: Uncertain significance for CPE-related condition. Last evaluated: 2026-06-30. Review status: criteria provided, single submitter. Criteria: ACMG Guidelines, 2015. Collection method: clinical testing. Allele origin: germline.
Comment: The CPE c.665A>G variant is predicted to result in the amino acid substitution p.Asn222Ser. To our knowledge, this variant has not been reported in the literature. This variant is reported in 0.0054% of alleles in individuals of European (Non-Finnish) descent in gnomAD. At this time, the clinical significance of this variant is uncertain due to the absence of conclusive functional and genetic evidence.